The following is an entry in ClinVar:

ClinVar aggregate classification (germline): Uncertain significance (1 of 4 stars; one submission).

Conditions:
RASopathy. Also called: rasopathies; Noonan spectrum disorder. Identifiers: Orphanet 536391, MedGen C5555857, MONDO:0021060.

Submission:

Labcorp Genetics (formerly Invitae), Labcorp
Classification: Uncertain significance for RASopathy. Last evaluated: 2025-06-27. Review status: criteria provided, single submitter. Criteria: Invitae Variant Classification Sherloc (09022015). Collection method: clinical testing. Allele origin: germline.
Comment: This sequence change creates a premature translational stop signal (p.Glu26Alafs*23) in the BRAF gene. It is expected to result in an absent or disrupted protein product. However, the current clinical and genetic evidence is not sufficient to establish whether loss-of-function variants in BRAF cause disease. This variant is not present in population databases (gnomAD no frequency). This variant has not been reported in the literature in individuals affected with BRAF-related conditions. In summary, the available evidence is currently insufficient to determine the role of this variant in disease. Therefore, it has been classified as a Variant of Uncertain Significance.

NM_004333.6(BRAF):c.77_92del (p.Glu26fs)

Gene: BRAF (B-Raf proto-oncogene, serine/threonine kinase; minus strand). Cytogenetic location: 7q34.
Variant type: Deletion.
Coding change: c.77_92del on transcript NM_004333.6 (MANE Select); coding-DNA positions 77 to 92, 16 bases deleted (AGGCCGGCGCCGGCGC).
Protein change: p.Glu26fs; shifts the reading frame from glutamic acid 26.
Molecular consequence: frameshift variant.
Genome position (GRCh38, 1-based): chr7:140,924,612-140,924,627, GCGCCGGCGCCGGCCT deleted on the plus strand (AGGCCGGCGCCGGCGC on the coding strand, the reverse complement: BRAF is on the minus strand). VCF-style (leftmost placement, unchanged base first): chr7-140924611-GGCGCCGGCGCCGGCCT-G. GRCh37 (hg19) VCF-style: chr7-140624411-GGCGCCGGCGCCGGCCT-G.
Other names: c.77_92del, p.Glu26fs (NM_001354609.2, NM_001374244.1, NM_001374258.1 and 7 more transcripts); short protein forms E26fs.
Identifiers: ClinVar variation 4721863 (VCV004721863.1).